The following is an entry in ClinVar:

NM_001367561.1(DOCK7):c.6148A>G (p.Ser2050Gly)

Gene: DOCK7 (dedicator of cytokinesis 7; minus strand). Cytogenetic location: 1p31.3.
Variant type: single nucleotide variant.
Coding change: c.6148A>G on transcript NM_001367561.1 (MANE Select); coding-DNA position 6148, A replaced by G.
Protein change: p.Ser2050Gly; replaces serine 2050 with glycine.
Molecular consequence: missense variant.
Genome position (GRCh38, 1-based): chr1:62,474,046, T>C on the plus strand (A>G on the coding strand, the complement: DOCK7 is on the minus strand). VCF-style: chr1-62474046-T-C. GRCh37 (hg19) VCF-style: chr1-62939717-T-C.
Other names: c.6115A>G, p.Ser2039Gly (NM_001271999.2); c.6028A>G, p.Ser2010Gly (NM_001272000.2); c.6022A>G, p.Ser2008Gly (NM_001272001.2); c.6121A>G, p.Ser2041Gly (NM_001330614.2); c.6055A>G, p.Ser2019Gly (NM_033407.4); short protein forms S2039G, S2019G, S2008G, S2010G, S2041G, S2050G.
Identifiers: ClinVar variation 1476380 (VCV001476380.6), dbSNP rs2149256597, ClinGen allele CA340601724.

ClinVar aggregate classification (germline): Uncertain significance (1 of 4 stars; one submission).

Conditions:
Developmental and epileptic encephalopathy, 23 (DEE23). Also called: Epileptic encephalopathy, early infantile, 23. Identifiers: Orphanet 411986, MedGen C4014492, MONDO:0014371, OMIM 615859.

gnomAD v4.1: 7 of 1,614,088 alleles (0.00043%); highest among the groups gnomAD compares: African/African-American, 0.0013%; no homozygotes.

Submission:

Labcorp Genetics (formerly Invitae), Labcorp
Classification: Uncertain significance for Developmental and epileptic encephalopathy, 23. Last evaluated: 2021-08-02. Review status: criteria provided, single submitter. Criteria: Invitae Variant Classification Sherloc (09022015). Collection method: clinical testing. Allele origin: germline.
Comment: This sequence change replaces serine with glycine at codon 2039 of the DOCK7 protein (p.Ser2039Gly). The serine residue is weakly conserved and there is a small physicochemical difference between serine and glycine. This variant is not present in population databases (ExAC no frequency). This variant has not been reported in the literature in individuals affected with DOCK7-related conditions. Algorithms developed to predict the effect of missense changes on protein structure and function output the following: SIFT: "Tolerated"; PolyPhen-2: "Benign"; Align-GVGD: "Class C0". The glycine amino acid residue is found in multiple mammalian species, which suggests that this missense change does not adversely affect protein function. In summary, the available evidence is currently insufficient to determine the role of this variant in disease. Therefore, it has been classified as a Variant of Uncertain Significance.